The following is an entry in ClinVar:

ClinVar aggregate classification (germline): Uncertain significance (1 of 4 stars; one submission).

Conditions:
Nephronophthisis. Also called: Juvenile Nephronophthisis. Identifiers: Orphanet 655, MedGen C0687120, MONDO:0019005, HP:0000090.

Submission:

Labcorp Genetics (formerly Invitae), Labcorp
Classification: Uncertain significance for Nephronophthisis. Last evaluated: 2024-02-14. Review status: criteria provided, single submitter. Criteria: Invitae Variant Classification Sherloc (09022015). Collection method: clinical testing. Allele origin: germline.
Comment: This sequence change replaces glutamine, which is neutral and polar, with arginine, which is basic and polar, at codon 1045 of the NPHP3 protein (p.Gln1045Arg). This variant is not present in population databases (gnomAD no frequency). This variant has not been reported in the literature in individuals affected with NPHP3-related conditions. ClinVar contains an entry for this variant (Variation ID: 1945524). Advanced modeling of protein sequence and biophysical properties (such as structural, functional, and spatial information, amino acid conservation, physicochemical variation, residue mobility, and thermodynamic stability) performed at Invitae indicates that this missense variant is not expected to disrupt NPHP3 protein function with a negative predictive value of 80%. In summary, the available evidence is currently insufficient to determine the role of this variant in disease. Therefore, it has been classified as a Variant of Uncertain Significance.

NM_153240.5(NPHP3):c.3134A>G (p.Gln1045Arg)

Genes: NPHP3 (nephrocystin 3; minus strand), NPHP3-ACAD11 (NPHP3-ACAD11 readthrough (NMD candidate); minus strand). Cytogenetic location: 3q22.1.
Variant type: single nucleotide variant.
Coding change: c.3134A>G on transcript NM_153240.5 (MANE Select); coding-DNA position 3134, A replaced by G.
Protein change: p.Gln1045Arg; replaces glutamine 1045 with arginine.
Molecular consequence: missense variant. On other transcripts: non-coding transcript variant (1).
Genome position (GRCh38, 1-based): chr3:132,687,218, T>C on the plus strand (A>G on the coding strand, the complement: NPHP3 is on the minus strand). VCF-style: chr3-132687218-T-C. GRCh37 (hg19) VCF-style: chr3-132406062-T-C.
Other names: short protein forms Q1045R.
Identifiers: ClinVar variation 1945524 (VCV001945524.5), dbSNP rs2530390649, ClinGen allele CA354579692.